The following is an entry in ClinVar:

ClinVar aggregate classification (germline): Conflicting classifications of pathogenicity. Review status: criteria provided, conflicting classifications (1 of 4 stars). 6 submissions from 6 submitters: Uncertain significance (5); Likely benign (1). Last evaluated 2025-10-29.

Conditions:
MASS syndrome (OCTD). Also called: OVERLAP CONNECTIVE TISSUE DISEASE; MASS PHENOTYPE. Identifiers: MedGen C1858556, MONDO:0011431, OMIM 604308.
Marfan syndrome (MFS). Also called: Marfan syndrome, classic; Marfan syndrome type 1; Marfan's syndrome; FBN1-Related Marfan Syndrome; MARFAN SYNDROME, TYPE I. Identifiers: Orphanet 284963, Orphanet 558, MedGen C0024796, MONDO:0007947, OMIM 154700.
Familial thoracic aortic aneurysm and aortic dissection (TAAD). Also called: Thoracic aortic aneurysms and dissections. Identifiers: Orphanet 91387, MedGen C4707243, MONDO:0019625.

Allele frequency attached by ClinVar (database versions not stated): gnomAD exomes 0.00002; gnomAD 0.00001 and below 0.00001; TOPMed 0.00001; ExAC 0.00004.
gnomAD v4.1: 34 of 1,594,404 alleles (0.0021%); highest among the groups gnomAD compares: South Asian, 0.024%; no homozygotes.

Submissions (6):

Labcorp Genetics (formerly Invitae), Labcorp
Classification: Uncertain significance for Marfan syndrome; Familial thoracic aortic aneurysm and aortic dissection. Last evaluated: 2025-10-29. Review status: criteria provided, single submitter. Criteria: Invitae Variant Classification Sherloc (09022015). Collection method: clinical testing. Allele origin: germline.
Comment: This sequence change replaces isoleucine, which is neutral and non-polar, with valine, which is neutral and non-polar, at codon 1892 of the FBN1 protein (p.Ile1892Val). This variant is present in population databases (rs760170973, gnomAD 0.02%). This variant has not been reported in the literature in individuals affected with FBN1-related conditions. ClinVar contains an entry for this variant (Variation ID: 915613). An algorithm developed to predict the effect of missense changes on protein structure and function (PolyPhen-2) suggests that this variant is likely to be tolerated. In summary, the available evidence is currently insufficient to determine the role of this variant in disease. Therefore, it has been classified as a Variant of Uncertain Significance.

Color Diagnostics, LLC DBA Color Health
Classification: Likely benign for Familial thoracic aortic aneurysm and aortic dissection. Last evaluated: 2025-08-11. Review status: criteria provided, single submitter. Criteria: ACMG Guidelines, 2015. Collection method: clinical testing. Allele origin: germline.

All of Us Research Program, National Institutes of Health
Classification: Uncertain significance for Marfan syndrome. Last evaluated: 2024-02-05. Review status: criteria provided, single submitter. Criteria: ACMG Guidelines, 2015. Collection method: clinical testing. Allele origin: germline. Inheritance: Autosomal dominant inheritance. Observed: 3 variant alleles, 3 heterozygotes.
Comment: This missense variant replaces isoleucine with valine at codon 1892 of the FBN1 protein. Computational prediction suggests that this variant may not impact protein structure and function (internally defined REVEL score threshold <= 0.5, PMID: 27666373). To our knowledge, functional studies have not been reported for this variant. This variant has not been reported in individuals affected with cardiovascular disorders in the literature. This variant has been identified in 6/250910 chromosomes in the general population by the Genome Aggregation Database (gnomAD). The available evidence is insufficient to determine the role of this variant in disease conclusively. Therefore, this variant is classified as a Variant of Uncertain Significance.

This study involves interpretation of variants in research participants for the purpose of population health screening. Participant phenotype was not available at the time of variant classification. Additional details can be found in publication PMID: 35346344, PMCID: PMC8962531

Women's Health and Genetics/Laboratory Corporation of America, LabCorp
Classification: Uncertain significance. Last evaluated: 2023-08-28. Review status: criteria provided, single submitter. Criteria: LabCorp Variant Classification Summary - May 2015. Collection method: clinical testing. Allele origin: germline.
Comment: Variant summary: FBN1 c.5674A>G (p.Ile1892Val) results in a conservative amino acid change located in the EGF-like domain (IPR000742) of the encoded protein sequence. Three of five in-silico tools predict a benign effect of the variant on protein function. In addition, this variant disrupts the third nucleotide of exon 47, and therefore can affect splicing. Several computational tools predict a significant impact on normal splicing: three predict the variant creates a 5' donor site. However, these predictions have yet to be confirmed by functional studies. The variant allele was found at a frequency of 2.4e-05 in 250910 control chromosomes (i.e., 6 heterozygotes; gnomAD v2.1 Exomes dataset). The available data on variant occurrences in the general population are insufficient to allow any conclusion about variant significance. To our knowledge, no occurrence of c.5674A>G in individuals affected with Marfan Syndrome and no experimental evidence demonstrating its impact on protein function have been reported. Two submitters have reported clinical-significance assessments for this variant to ClinVar after 2014. All submitters classified the variant as uncertain significance. Based on the evidence outlined above, the variant was classified as uncertain significance.

Human Genetics Unit, University Of Colombo
Classification: Uncertain significance for MASS syndrome. Last evaluated: 2022-12-19. Review status: criteria provided, single submitter. Criteria: ACMG Guidelines, 2015. Collection method: clinical testing. Allele origin: germline. Affected: yes. Observed: 1 variant allele.
Comment: The NM_000138.5:c.5674A>G is a missense variant in the FBN1 gene, resulting in the substitution of isoleucine with valine at codon 1892 of the fibrillin-1 protein (p.Ile1892Val). Hot-spot of length 17 amino-acids has 15 missense/in-frame variants (13 pathogenic variants, 2 uncertain variants, and no benign), which qualifies as moderate pathogenic [PM1]. Multiple lines of In silico analyses supports that this variant has no impact on protein structure/function [BP3]. The available evidence is insufficient to determine the role of this variant in disease conclusively. Therefore, this variant is classified as a Variant of Uncertain Significance: PP4_Supporting, PM1_Moderate, BP3_Moderate

CHEO Genetics Diagnostic Laboratory, Children's Hospital of Eastern Ontario
Classification: Uncertain significance for Familial thoracic aortic aneurysm and aortic dissection. Last evaluated: 2019-02-26. Review status: criteria provided, single submitter. Criteria: ACMG Guidelines, 2015. Collection method: clinical testing. Allele origin: germline.

NM_000138.5(FBN1):c.5674A>G (p.Ile1892Val)

Gene: FBN1 (fibrillin 1; minus strand). Cytogenetic location: 15q21.1.
Variant type: single nucleotide variant.
Coding change: c.5674A>G on transcript NM_000138.5 (MANE Select); coding-DNA position 5674, A replaced by G.
Protein change: p.Ile1892Val; replaces isoleucine 1892 with valine.
Molecular consequence: missense variant.
Genome position (GRCh38, 1-based): chr15:48,446,820, T>C on the plus strand (A>G on the coding strand, the complement: FBN1 is on the minus strand). VCF-style: chr15-48446820-T-C. GRCh37 (hg19) VCF-style: chr15-48739017-T-C.
Other names: short protein forms I1892V.
Identifiers: ClinVar variation 915613 (VCV000915613.13), dbSNP rs760170973, ClinGen allele CA055412.